The following is an entry in ClinVar:

ClinVar aggregate classification (germline): Uncertain significance (1 of 4 stars; one submission).

Allele frequency attached by ClinVar (database versions not stated): gnomAD exomes below 0.00001; TOPMed below 0.00001; ExAC 0.00001; gnomAD 0.00001.
gnomAD v4.1: 1 of 1,613,212 alleles (0.000062%); highest among the groups gnomAD compares: African/African-American, 0.0013%; no homozygotes.

Submission:

Labcorp Genetics (formerly Invitae), Labcorp
Classification: Uncertain significance. Last evaluated: 2023-06-16. Review status: criteria provided, single submitter. Criteria: Invitae Variant Classification Sherloc (09022015). Collection method: clinical testing. Allele origin: germline.
Comment: Variants that disrupt the consensus splice site are a relatively common cause of aberrant splicing (PMID: 17576681, 9536098). Algorithms developed to predict the effect of sequence changes on RNA splicing suggest that this variant is not likely to affect RNA splicing. ClinVar contains an entry for this variant (Variation ID: 1476504). This variant has not been reported in the literature in individuals affected with DNM1L-related conditions. This variant is present in population databases (rs747072977, gnomAD 0.007%). This sequence change falls in intron 7 of the DNM1L gene. It does not directly change the encoded amino acid sequence of the DNM1L protein. It affects a nucleotide within the consensus splice site. In summary, the available evidence is currently insufficient to determine the role of this variant in disease. Therefore, it has been classified as a Variant of Uncertain Significance.

Literature cited by the submitters: PubMed 17576681; PubMed 9536098.

NM_012062.5(DNM1L):c.740+6C>T

Gene: DNM1L (dynamin 1 like; plus strand). Cytogenetic location: 12p11.21.
Variant type: single nucleotide variant.
Coding change: c.740+6C>T on transcript NM_012062.5 (MANE Select); 6 bases into the intron after coding-DNA position 740, C replaced by T.
Molecular consequence: intron variant.
Genome position (GRCh38, 1-based): chr12:32,718,769, C>T. VCF-style: chr12-32718769-C-T. GRCh37 (hg19) VCF-style: chr12-32871703-C-T.
Other names: c.779+6C>T (NM_001278464.2, NM_001278465.2, NM_001330380.2); c.132-1895C>T (NM_001278466.2); c.740+6C>T (NM_001278463.2, NM_012063.4, NM_005690.5).
Identifiers: ClinVar variation 1476504 (VCV001476504.6), dbSNP rs747072977, ClinGen allele CA6507399.